The following is an entry in ClinVar:

NM_000264.5(PTCH1):c.428C>T (p.Thr143Ile)

Gene: PTCH1 (patched 1; minus strand). Cytogenetic location: 9q22.32.
Variant type: single nucleotide variant.
Coding change: c.428C>T on transcript NM_000264.5 (MANE Select); coding-DNA position 428, C replaced by T.
Protein change: p.Thr143Ile; replaces threonine 143 with isoleucine.
Molecular consequence: missense variant. On other transcripts: 5 prime UTR variant (4), non-coding transcript variant (1).
Genome position (GRCh38, 1-based): chr9:95,485,841, G>A on the plus strand (C>T on the coding strand, the complement: PTCH1 is on the minus strand). VCF-style: chr9-95485841-G-A. GRCh37 (hg19) VCF-style: chr9-98248123-G-A.
Other names: c.230C>T, p.Thr77Ile (NM_001083602.3, NM_001354919.2); c.425C>T, p.Thr142Ile (NM_001083603.3); c.-26C>T (NM_001083604.3, NM_001083605.3, NM_001083606.3 and 1 more transcripts); c.428C>T, p.Thr143Ile (NM_001354918.2); short protein forms T77I, T143I, T142I.
Identifiers: ClinVar variation 2449690 (VCV002449690.3), dbSNP rs2118549264, ClinGen allele CA374117225.
Genomic context (GRCh38, chr9:95,485,841, plus strand): 5'-TTAGGGGTCTGTATCATGAGTTGAGGATTAAACATAGCCTCTTCTCCAATCTTCTGGCGA[G>A]TATAATTTAATTCACGACTTACTCGTCCTCCAACTGACAAATATGTACAGGTTTAATTAG-3'
Protein context (NP_000255.2, residues 133-153): GGRVSRELNY[Thr143Ile]RQKIGEEAMF

ClinVar aggregate classification (germline): Uncertain significance (1 of 4 stars; one submission).

Conditions:
Hereditary cancer-predisposing syndrome. Also called: Hereditary Cancer Syndrome; Hereditary neoplastic syndrome; Neoplastic Syndromes, Hereditary; Tumor predisposition. Identifiers: Orphanet 140162, MedGen C0027672, MeSH D009386, MONDO:0015356.

Submission:

Ambry Genetics
Classification: Uncertain significance for Hereditary cancer-predisposing syndrome. Last evaluated: 2026-09-02. Review status: criteria provided, single submitter. Criteria: Ambry Variant Classification Scheme 2023. Collection method: clinical testing. Allele origin: germline.
Comment: The p.T143I variant (also known as c.428C>T), located in coding exon 3 of the PTCH1 gene, results from a C to T substitution at nucleotide position 428. The threonine at codon 143 is replaced by isoleucine, an amino acid with similar properties. This amino acid position is highly conserved in available vertebrate species. In addition, this alteration is predicted to be deleterious by in silico analysis. Based on the available evidence, the clinical significance of this variant remains unclear.